The following is an entry in ClinVar:

NM_005751.5(AKAP9):c.2003A>C (p.Asp668Ala)

Gene: AKAP9 (A-kinase anchoring protein 9; plus strand). Cytogenetic location: 7q21.2.
Variant type: single nucleotide variant.
Coding change: c.2003A>C on transcript NM_005751.5 (MANE Select); coding-DNA position 2003, A replaced by C.
Protein change: p.Asp668Ala; replaces aspartic acid 668 with alanine.
Molecular consequence: missense variant.
Genome position (GRCh38, 1-based): chr7:92,001,920, A>C. VCF-style: chr7-92001920-A-C. GRCh37 (hg19) VCF-style: chr7-91631234-A-C.
Other names: c.2003A>C, p.Asp668Ala (NM_147185.3); short protein forms D668A.
Identifiers: ClinVar variation 2449784 (VCV002449784.3), dbSNP rs1584040089, ClinGen allele CA368123090.

ClinVar aggregate classification (germline): Uncertain significance (1 of 4 stars; one submission).

Conditions:
Cardiovascular phenotype. Identifiers: MedGen CN230736.

Allele frequency attached by ClinVar (database versions not stated): gnomAD exomes below 0.00001.
gnomAD v4.1: 3 of 1,612,606 alleles (0.00019%); highest among the groups gnomAD compares: African/African-American, 0.0027%; no homozygotes.

Submission:

Ambry Genetics
Classification: Uncertain significance for Cardiovascular phenotype. Last evaluated: 2025-05-24. Review status: criteria provided, single submitter. Criteria: Ambry Variant Classification Scheme 2023. Collection method: clinical testing. Allele origin: germline.
Comment: The p.D668A variant (also known as c.2003A>C), located in coding exon 8 of the AKAP9 gene, results from an A to C substitution at nucleotide position 2003. The aspartic acid at codon 668 is replaced by alanine, an amino acid with dissimilar properties. This amino acid position is well conserved in available vertebrate species. In addition, this alteration is predicted to be tolerated by in silico analysis. The evidence for this gene-disease relationship is limited; therefore, the clinical significance of this alteration is unclear.